The following is an entry in ClinVar:

ClinVar aggregate classification (germline): Benign/Likely benign. Review status: criteria provided, multiple submitters, no conflicts (2 of 4 stars). 3 submissions from 3 submitters: Benign (1); Likely benign (2). Last evaluated 2026-05-01.

Conditions:
Inborn genetic diseases. Identifiers: MedGen C0950123, MeSH D030342.

Allele frequency attached by ClinVar (database versions not stated): TOPMed 0.00004; gnomAD 0.00005; gnomAD exomes 0.00011; ExAC 0.00024; 1000 Genomes Project 30x 0.00042.
gnomAD v4.1: 121 of 1,209,198 alleles (0.01%); highest among the groups gnomAD compares: South Asian, 0.18%; no homozygotes.

Submissions (3):

CeGaT Center for Human Genetics Tuebingen
Classification: Likely benign. Last evaluated: 2026-05-01. Review status: criteria provided, single submitter. Criteria: CeGaT Center For Human Genetics Tuebingen Variant Classification Criteria Version 2. Collection method: clinical testing. Allele origin: germline. Affected: yes. Observed: 1 variant allele.
Comment: HUWE1: BP4, BP7

Labcorp Genetics (formerly Invitae), Labcorp
Classification: Benign. Last evaluated: 2025-08-20. Review status: criteria provided, single submitter. Criteria: Invitae Variant Classification Sherloc (09022015). Collection method: clinical testing. Allele origin: germline.

Ambry Genetics
Classification: Likely benign for Inborn genetic diseases. Last evaluated: 2024-01-30. Review status: criteria provided, single submitter. Criteria: Ambry Variant Classification Scheme 2023. Collection method: clinical testing. Allele origin: germline.

NM_031407.7(HUWE1):c.9549C>T (p.His3183=)

Gene: HUWE1 (HECT, UBA and WWE domain containing E3 ubiquitin protein ligase 1; minus strand). Cytogenetic location: Xp11.22.
Variant type: single nucleotide variant.
Coding change: c.9549C>T on transcript NM_031407.7 (MANE Select); coding-DNA position 9549, C replaced by T.
Protein change: p.His3183=; no amino-acid change (histidine 3183 retained).
Molecular consequence: synonymous variant.
Genome position (GRCh38, 1-based): chrX:53,549,445, G>A on the plus strand (C>T on the coding strand, the complement: HUWE1 is on the minus strand). VCF-style: chrX-53549445-G-A. GRCh37 (hg19) VCF-style: chrX-53576406-G-A.
Other names: c.9549C>T (NM_031407.4).
Identifiers: ClinVar variation 3107654 (VCV003107654.4), dbSNP rs200290782, ClinGen allele CA10421638.
Genomic context (GRCh38, chrX:53,549,445, plus strand): 5'-GCTAGTATTGAGCTTTGGCTCATCCACAAAAAGTAGGACCAAGAGACAAGAAAGGGCTTC[G>A]TGGTCCAGAAGGAGCCGTCCTCGGAGGCGGAGGAGAGTATCTACATTACTGCCAGAAGGC-3'
Protein context (NP_113584.3, residues 3173-3193): LRLRGRLLLD[His3183=]EALSCLLVLL